The following is an entry in ClinVar:

ClinVar aggregate classification (germline): Pathogenic. Review status: criteria provided, single submitter (1 of 4 stars). 2 submissions from 2 submitters: Pathogenic (1). 1 of the submissions does not count toward it. Last evaluated 2019-09-01.

Conditions:
Ceroid lipofuscinosis, neuronal, 4 (Kufs type) (CLN4). Also called: Neuronal ceroid lipofuscinosis 4B; Ceroid lipofuscinosis, neuronal, 4, Parry type. Identifiers: Orphanet 228343, Orphanet 79262, MedGen C1834207, MONDO:0008083, OMIM 162350.

Submissions (2):

Research Unit for Rare Diseases, 1st Faculty of Medicine, Charles University in Prague
Classification: Pathogenic for Ceroid lipofuscinosis, neuronal, 4 (Kufs type). Last evaluated: 2019-09-01. Review status: criteria provided, single submitter. Criteria: ACMG Guidelines, 2015. Collection method: research. Allele origin: maternal. Inheritance: Autosomal dominant inheritance. Affected: yes. Observed: 1 heterozygote.
Comment: The c.370_399dup (p.(Y120YCCCCLCCCFN)), in exon 4 of DNAJC5 (NM_025219.2) variant has been reported in one canadian family with ausomal dominant adult-onset neuronal ceroid lipofuscinosis.

OMIM
Classification: Pathogenic for CEROID LIPOFUSCINOSIS, NEURONAL, 4 (KUFS TYPE). Last evaluated: 2022-09-02. Review status: no assertion criteria provided. Collection method: literature only. Allele origin: germline. Not counted in ClinVar's aggregate classification.

Literature cited by the submitters: PubMed 31919451 (cited by OMIM).

NM_025219.3(DNAJC5):c.370_399dup (p.Cys124_Cys133dup)

Gene: DNAJC5 (DnaJ heat shock protein family (Hsp40) member C5; plus strand). Cytogenetic location: 20q13.33.
Variant type: Duplication.
Coding change: c.370_399dup on transcript NM_025219.3 (MANE Select); coding-DNA positions 370 to 399, 30 bases duplicated (TGTCTGTGCTGCTGCTTCAACTGCTGCTGC).
Protein change: p.Cys124_Cys133dup.
Molecular consequence: inframe insertion.
Genome position (GRCh38, 1-based): chr20:63,930,899-63,930,928, TGTCTGTGCTGCTGCTTCAACTGCTGCTGC duplicated; duplicating any 30 consecutive bases within chr20:63,930,888-63,930,928 gives the same sequence; the c. name uses the placement nearest the transcript's 3' end. VCF-style (leftmost placement, unchanged base first): chr20-63930887-T-TACTGCTGCTGCTGTCTGTGCTGCTGCTTCA. GRCh37 (hg19) VCF-style: chr20-62562240-T-TACTGCTGCTGCTGTCTGTGCTGCTGCTTCA.
Identifiers: ClinVar variation 689476 (VCV000689476.3), dbSNP rs1600887859, ClinGen allele CA915952580.